The following is an entry in ClinVar:

NM_145207.3(AFG2A):c.820A>G (p.Ser274Gly)

Gene: AFG2A (AAA ATPase AFG2A; plus strand). Cytogenetic location: 4q28.1.
Variant type: single nucleotide variant.
Coding change: c.820A>G on transcript NM_145207.3 (MANE Select); coding-DNA position 820, A replaced by G.
Protein change: p.Ser274Gly; replaces serine 274 with glycine.
Molecular consequence: missense variant.
Genome position (GRCh38, 1-based): chr4:122,934,411, A>G. VCF-style: chr4-122934411-A-G. GRCh37 (hg19) VCF-style: chr4-123855566-A-G.
Other names: c.817A>G, p.Ser273Gly (NM_001317799.2, NM_001345856.2); short protein forms S274G, S273G.
Identifiers: ClinVar variation 1519905 (VCV001519905.7), dbSNP rs2125738185, ClinGen allele CA358102111.
Genomic context (GRCh38, chr4:122,934,411, plus strand): 5'-AAACCAATTGATGACAGAATTACAAATAAAGCCAGTGATGTTTTGCTGGATGTTACACAG[A>G]GCCCTGGAGATGGCAGTGGACTTATGCTAGAGGAAGTCACAGGTCTTAAATGTAATTTTG-3'
Protein context (NP_660208.2, residues 264-284): ASDVLLDVTQ[Ser274Gly]PGDGSGLMLE

ClinVar aggregate classification (germline): Uncertain significance (1 of 4 stars; one submission).

Conditions:
Microcephaly-intellectual disability-sensorineural hearing loss-epilepsy-abnormal muscle tone syndrome (NEDHSB). Also called: NEURODEVELOPMENTAL DISORDER WITH HEARING LOSS, SEIZURES, AND BRAIN ABNORMALITIES. Identifiers: Orphanet 457351, MedGen C4225276, MONDO:0014698, OMIM 616577.

Submission:

Labcorp Genetics (formerly Invitae), Labcorp
Classification: Uncertain significance for Microcephaly-intellectual disability-sensorineural hearing loss-epilepsy-abnormal muscle tone syndrome. Last evaluated: 2021-07-17. Review status: criteria provided, single submitter. Criteria: Invitae Variant Classification Sherloc (09022015). Collection method: clinical testing. Allele origin: germline.
Comment: Advanced modeling of protein sequence and biophysical properties (such as structural, functional, and spatial information, amino acid conservation, physicochemical variation, residue mobility, and thermodynamic stability) performed at Invitae indicates that this missense variant is not expected to disrupt SPATA5 protein function. This variant has not been reported in the literature in individuals affected with SPATA5-related conditions. This variant is not present in population databases (ExAC no frequency). This sequence change replaces serine with glycine at codon 274 of the SPATA5 protein (p.Ser274Gly). The serine residue is moderately conserved and there is a small physicochemical difference between serine and glycine. In summary, the available evidence is currently insufficient to determine the role of this variant in disease. Therefore, it has been classified as a Variant of Uncertain Significance.